The following is an entry in ClinVar:

ClinVar aggregate classification (germline): Uncertain significance (1 of 4 stars; one submission).

Conditions:
Hypophosphatasia. Also called: Phosphoethanol-aminuria. Identifiers: Orphanet 436, MedGen C0020630, MeSH D007014, MONDO:0018570.

gnomAD v4.1: 1 of 1,604,440 alleles (0.000062%); highest among the groups gnomAD compares: South Asian, 0.0011%; no homozygotes.

Submission:

Genomenon, Inc
Classification: Uncertain significance for Hypophosphatasia. Last evaluated: 2026-09-01. Review status: criteria provided, single submitter. Criteria: Genomenon Sequence Variant Interpretation Standards - Updated. Collection method: curation. Allele origin: germline. Affected: no.
Comment: ALPL p.Cys497Tyr (c.1490G>A) is a missense variant that changes the amino acid at codon 497 from Cysteine to Tyrosine. This variant has been reported in the published literature (PMID:36514157). It is absent or not present at a significant frequency in gnomAD. In silico models predict that this variant is possibly or probably damaging. In conclusion, we classify ALPL p.Cys497Tyr (c.1490G>A) as a variant of uncertain significance.

Literature cited by the submitters: PubMed 36514157.

NM_000478.6(ALPL):c.1490G>A (p.Cys497Tyr)

Gene: ALPL (alkaline phosphatase, biomineralization associated; plus strand). Cytogenetic location: 1p36.12.
Variant type: single nucleotide variant.
Coding change: c.1490G>A on transcript NM_000478.6 (MANE Select); coding-DNA position 1490, G replaced by A.
Protein change: p.Cys497Tyr; replaces cysteine 497 with tyrosine.
Molecular consequence: missense variant.
Genome position (GRCh38, 1-based): chr1:21,577,563, G>A. VCF-style: chr1-21577563-G-A. GRCh37 (hg19) VCF-style: chr1-21904056-G-A.
Other names: c.1325G>A, p.Cys442Tyr (NM_001127501.4); c.1259G>A, p.Cys420Tyr (NM_001177520.3); c.1490G>A, p.Cys497Tyr (NM_001369803.2, NM_001369804.2, NM_001369805.2); short protein forms C420Y, C442Y, C497Y.
Identifiers: ClinVar variation 4086908 (VCV004086908.2).